The following is an entry in ClinVar:

NM_198253.3(TERT):c.2952C>G (p.Ser984Arg)

Gene: TERT (telomerase reverse transcriptase; minus strand). Cytogenetic location: 5p15.33.
Variant type: single nucleotide variant.
Coding change: c.2952C>G on transcript NM_198253.3 (MANE Select); coding-DNA position 2952, C replaced by G.
Protein change: p.Ser984Arg; replaces serine 984 with arginine.
Molecular consequence: missense variant. On other transcripts: non-coding transcript variant (2).
Genome position (GRCh38, 1-based): chr5:1,260,492, G>C on the plus strand (C>G on the coding strand, the complement: TERT is on the minus strand). VCF-style: chr5-1260492-G-C. GRCh37 (hg19) VCF-style: chr5-1260607-G-C.
Other names: c.2763C>G, p.Ser921Arg (NM_001193376.3); short protein forms S984R, S921R.
Identifiers: ClinVar variation 1398338 (VCV001398338.6), dbSNP rs1159346733, ClinGen allele CA359069674.

ClinVar aggregate classification (germline): Uncertain significance. Review status: criteria provided, multiple submitters, no conflicts (2 of 4 stars). 2 submissions from 2 submitters: Uncertain significance (2). Last evaluated 2026-06-16.

Conditions:
Idiopathic Pulmonary Fibrosis. Also called: Idiopathic fibrosing alveolitis, chronic form; idiopathic fibrosing alveolitis. Identifiers: Orphanet 2032, MedGen C1800706, MeSH D054990, MONDO:0800504.
Dyskeratosis congenita, autosomal dominant 2. Identifiers: MedGen C3151443, MONDO:0013521, OMIM 613989.
Hereditary cancer-predisposing syndrome. Also called: Tumor predisposition; Hereditary neoplastic syndrome; Neoplastic Syndromes, Hereditary; Hereditary Cancer Syndrome. Identifiers: Orphanet 140162, MedGen C0027672, MeSH D009386, MONDO:0015356.

Allele frequency attached by ClinVar (database versions not stated): gnomAD exomes below 0.00001.
gnomAD v4.1: 1 of 1,614,150 alleles (0.000062%); highest among the groups gnomAD compares: Non-Finnish European, 0.000085%; no homozygotes.

Submissions (2):

Praxis Für Humangenetik, Biosciencia MVZ Labor Saar
Classification: Uncertain significance for Hereditary cancer-predisposing syndrome. Last evaluated: 2026-06-16. Review status: criteria provided, single submitter. Criteria: ACMG Guidelines, 2015. Collection method: clinical testing. Allele origin: germline.
Comment: PM2

Labcorp Genetics (formerly Invitae), Labcorp
Classification: Uncertain significance for Dyskeratosis congenita, autosomal dominant 2; Idiopathic Pulmonary Fibrosis. Last evaluated: 2021-08-31. Review status: criteria provided, single submitter. Criteria: Invitae Variant Classification Sherloc (09022015). Collection method: clinical testing. Allele origin: germline.
Comment: This sequence change replaces serine with arginine at codon 984 of the TERT protein (p.Ser984Arg). The serine residue is weakly conserved and there is a moderate physicochemical difference between serine and arginine. This variant is not present in population databases (ExAC no frequency). This variant has not been reported in the literature in individuals affected with TERT-related conditions. Algorithms developed to predict the effect of missense changes on protein structure and function are either unavailable or do not agree on the potential impact of this missense change (SIFT: "Tolerated"; PolyPhen-2: "Possibly Damaging"; Align-GVGD: "Class C0"). In summary, the available evidence is currently insufficient to determine the role of this variant in disease. Therefore, it has been classified as a Variant of Uncertain Significance.